The following is an entry in ClinVar:

NM_000231.3(SGCG):c.616_617del (p.Pro206fs)

Gene: SGCG (sarcoglycan gamma; plus strand). Cytogenetic location: 13q12.12.
Variant type: Deletion.
Coding change: c.616_617del on transcript NM_000231.3 (MANE Select); coding-DNA positions 616 to 617, 2 bases deleted (CC; older notation c.616_617delCC).
Protein change: p.Pro206fs; shifts the reading frame from proline 206.
Molecular consequence: frameshift variant.
Genome position (GRCh38, 1-based): chr13:23,320,674-23,320,675, CC deleted; deleting any 2 consecutive bases within chr13:23,320,672-23,320,675 gives the same sequence; the c. name uses the placement nearest the transcript's 3' end. VCF-style (leftmost placement, unchanged base first): chr13-23320671-GCC-G. GRCh37 (hg19) VCF-style: chr13-23894810-GCC-G.
Other names: c.616_617delCC, p.Pro206Lysfs (NM_000231.2); c.670_671del, p.Pro224fs (NM_001378244.1); c.616_617del, p.Pro206fs (NM_001378245.1, NM_001378246.1); short protein forms P206fs, P224fs.
Identifiers: ClinVar variation 4817942 (VCV004817942.1).

ClinVar aggregate classification (germline): Likely pathogenic (1 of 4 stars; one submission).

Conditions:
Autosomal recessive limb-girdle muscular dystrophy type 2C (LGMDR5). Also called: MUSCULAR DYSTROPHY, DUCHENNE-LIKE; MUSCULAR DYSTROPHY, LIMB-GIRDLE, AUTOSOMAL RECESSIVE 5. Identifiers: Orphanet 353, MedGen C0410173, MONDO:0009677, OMIM 253700. Disease mechanism: Affects gamma-sarcoglycan and also disrupts the integrity of the entire sarcoglycan complex..

Submission:

Natera, Inc.
Classification: Likely pathogenic for Limb-girdle muscular dystrophy type 2C. Last evaluated: 2025-12-11. Review status: criteria provided, single submitter. Criteria: Natera Variant Classification Schema (03/2026). Collection method: clinical testing. Allele origin: germline.
Comment: The c.616_617del variant in SGCG is a frameshift variant predicted to shift the reading frame beginning at codon 206 and leads to a stop codon 13 codons downstream. This variant is expected to result in nonsense mediated decay, truncation, or a dysfunctional protein product. This variant is rare in the general population with a frequency below the threshold expected for the associated phenotype(s). Given the available evidence, this variant is classified as Likely Pathogenic.